The following is an entry in ClinVar:

ClinVar aggregate classification (germline): Likely benign (1 of 4 stars; one submission).

gnomAD v4.1: 40 of 1,604,126 alleles (0.0025%); highest among the groups gnomAD compares: Non-Finnish European, 0.0032%; no homozygotes.

Submission:

CeGaT Center for Human Genetics Tuebingen
Classification: Likely benign. Last evaluated: 2025-03-01. Review status: criteria provided, single submitter. Criteria: CeGaT Center For Human Genetics Tuebingen Variant Classification Criteria Version 2. Collection method: clinical testing. Allele origin: germline. Affected: yes. Observed: 1 variant allele.
Comment: OXR1: BP4, BP7

NM_001198533.2(OXR1):c.1707G>A (p.Thr569=)

Gene: OXR1 (oxidation resistance 1; plus strand). Cytogenetic location: 8q23.1.
Variant type: single nucleotide variant.
Coding change: c.1707G>A on transcript NM_001198533.2 (MANE Select); coding-DNA position 1707, G replaced by A.
Protein change: p.Thr569=; no amino-acid change (threonine 569 retained).
Molecular consequence: synonymous variant.
Genome position (GRCh38, 1-based): chr8:106,710,704, G>A. VCF-style: chr8-106710704-G-A. GRCh37 (hg19) VCF-style: chr8-107722932-G-A.
Other names: c.1710G>A, p.Thr570= (NM_001198532.1); c.1707G>A, p.Thr569= (NM_018002.3); c.1686G>A, p.Thr562= (NM_181354.4).
Identifiers: ClinVar variation 3777980 (VCV003777980.7).